The following is an entry in ClinVar:

NM_006236.3(POU3F3):c.514C>T (p.Leu172Phe)

Gene: POU3F3 (POU class 3 homeobox 3; plus strand). Cytogenetic location: 2q12.1.
Variant type: single nucleotide variant.
Coding change: c.514C>T on transcript NM_006236.3 (MANE Select); coding-DNA position 514, C replaced by T.
Protein change: p.Leu172Phe; replaces leucine 172 with phenylalanine.
Molecular consequence: missense variant.
Genome position (GRCh38, 1-based): chr2:104,856,024, C>T. VCF-style: chr2-104856024-C-T. GRCh37 (hg19) VCF-style: chr2-105472482-C-T.
Other names: short protein forms L172F.
Identifiers: ClinVar variation 1700540 (VCV001700540.2), dbSNP rs2104340269, ClinGen allele CA348096911.

ClinVar aggregate classification (germline): Uncertain significance (1 of 4 stars; one submission).

Submission:

GeneDx
Classification: Uncertain significance. Last evaluated: 2022-01-27. Review status: criteria provided, single submitter. Criteria: GeneDx Variant Classification Process June 2021. Collection method: clinical testing. Allele origin: germline. Affected: yes.
Comment: Not observed at significant frequency in large population cohorts (gnomAD); In silico analysis supports that this missense variant does not alter protein structure/function; Has not been previously published as pathogenic or benign to our knowledge